The following is an entry in ClinVar:

ClinVar aggregate classification (germline): Uncertain significance (1 of 4 stars; one submission).

Conditions:
Gorlin syndrome. Also called: Basal cell nevus syndrome; Nevoid Basal Cell Carcinoma Syndrome. Identifiers: Orphanet 377, MedGen C0004779, MONDO:0007187.

Submission:

Labcorp Genetics (formerly Invitae), Labcorp
Classification: Uncertain significance for Gorlin syndrome. Last evaluated: 2019-09-12. Review status: criteria provided, single submitter. Criteria: Invitae Variant Classification Sherloc (09022015). Collection method: clinical testing. Allele origin: germline.
Comment: This sequence change replaces arginine with leucine at codon 1442 of the PTCH1 protein (p.Arg1442Leu). The arginine residue is weakly conserved and there is a moderate physicochemical difference between arginine and leucine. This variant is not present in population databases (ExAC no frequency) and has not been reported in the literature in individuals with a PTCH1-related disease. Algorithms developed to predict the effect of missense changes on protein structure and function (SIFT, PolyPhen-2, Align-GVGD) all suggest that this variant is likely to be tolerated, but these predictions have not been confirmed by published functional studies. In summary, this variant is a novel missense change that is not predicted to affect protein function. There is no indication that it causes disease, but the available evidence is currently insufficient to prove that conclusively. Therefore, it has been classified as a Variant of Uncertain Significance.

NM_000264.5(PTCH1):c.4325G>T (p.Arg1442Leu)

Gene: PTCH1 (patched 1; minus strand). Cytogenetic location: 9q22.32.
Variant type: single nucleotide variant.
Coding change: c.4325G>T on transcript NM_000264.5 (MANE Select); coding-DNA position 4325, G replaced by T.
Protein change: p.Arg1442Leu; replaces arginine 1442 with leucine.
Molecular consequence: missense variant. On other transcripts: non-coding transcript variant (1).
Genome position (GRCh38, 1-based): chr9:95,446,931, C>A on the plus strand (G>T on the coding strand, the complement: PTCH1 is on the minus strand). VCF-style: chr9-95446931-C-A. GRCh37 (hg19) VCF-style: chr9-98209213-C-A.
Other names: c.4127G>T, p.Arg1376Leu (NM_001083602.3); c.4322G>T, p.Arg1441Leu (NM_001083603.3); c.3872G>T, p.Arg1291Leu (NM_001083604.3, NM_001083605.3, NM_001083606.3 and 1 more transcripts); c.4169G>T, p.Arg1390Leu (NM_001354918.2); short protein forms R1376L, R1442L, R1441L, R1390L, R1291L.
Identifiers: ClinVar variation 453894 (VCV000453894.11), dbSNP rs56023271, ClinGen allele CA374109817.